The following is an entry in ClinVar:

ClinVar aggregate classification (germline): Uncertain significance (1 of 4 stars; one submission).

Conditions:
Cone-rod dystrophy 6 (CORD6). Also called: RETINAL CONE DYSTROPHY 2; Cone dystrophy progressive. Identifiers: Orphanet 1872, MedGen C1866293, MONDO:0011143, OMIM 601777.
Leber congenital amaurosis 1 (LCA1). Also called: RETINAL BLINDNESS, CONGENITAL; AMAUROSIS CONGENITA OF LEBER I; Congenital absence of the rods and cones; Leber's congenital tapetoretinal degeneration; Leber's congenital tapetoretinal dysplasia. Identifiers: Orphanet 65, MedGen C2931258, MONDO:0008764, OMIM 204000.

gnomAD v4.1: 3 of 1,483,004 alleles (0.0002%); highest among the groups gnomAD compares: South Asian, 0.0013%; no homozygotes.

Submission:

Labcorp Genetics (formerly Invitae), Labcorp
Classification: Uncertain significance for Leber congenital amaurosis 1; Cone-rod dystrophy 6. Last evaluated: 2022-08-11. Review status: criteria provided, single submitter. Criteria: Invitae Variant Classification Sherloc (09022015). Collection method: clinical testing. Allele origin: germline.
Comment: In summary, the available evidence is currently insufficient to determine the role of this variant in disease. Therefore, it has been classified as a Variant of Uncertain Significance. Algorithms developed to predict the effect of missense changes on protein structure and function are either unavailable or do not agree on the potential impact of this missense change (SIFT: "Deleterious"; PolyPhen-2: "Probably Damaging"; Align-GVGD: "Class C15"). ClinVar contains an entry for this variant (Variation ID: 1345491). This variant has not been reported in the literature in individuals affected with GUCY2D-related conditions. This variant is not present in population databases (gnomAD no frequency). This sequence change replaces glycine, which is neutral and non-polar, with arginine, which is basic and polar, at codon 93 of the GUCY2D protein (p.Gly93Arg).

NM_000180.4(GUCY2D):c.277G>C (p.Gly93Arg)

Gene: GUCY2D (guanylate cyclase 2D, retinal; plus strand). Cytogenetic location: 17p13.1.
Variant type: single nucleotide variant.
Coding change: c.277G>C on transcript NM_000180.4 (MANE Select); coding-DNA position 277, G replaced by C.
Protein change: p.Gly93Arg; replaces glycine 93 with arginine.
Molecular consequence: missense variant.
Genome position (GRCh38, 1-based): chr17:8,003,324, G>C. VCF-style: chr17-8003324-G-C. GRCh37 (hg19) VCF-style: chr17-7906642-G-C.
Other names: short protein forms G93R.
Identifiers: ClinVar variation 1345491 (VCV001345491.6), dbSNP rs749432012, ClinGen allele CA8365488.